The following is an entry in ClinVar:

NM_001267550.2(TTN):c.97992C>T (p.His32664=)

Genes: TTN (titin; minus strand), TTN-AS1 (TTN antisense RNA 1; plus strand). Cytogenetic location: 2q31.2.
Variant type: single nucleotide variant.
Coding change: c.97992C>T on transcript NM_001267550.2 (MANE Select); coding-DNA position 97992, C replaced by T.
Protein change: p.His32664=; no amino-acid change (histidine 32664 retained).
Molecular consequence: synonymous variant.
Genome position (GRCh38, 1-based): chr2:178,540,174, G>A on the plus strand (C>T on the coding strand, the complement: TTN is on the minus strand). VCF-style: chr2-178540174-G-A. GRCh37 (hg19) VCF-style: chr2-179404901-G-A.
Other names: c.93069C>T, p.His31023= (NM_001256850.1); c.70797C>T, p.His23599= (NM_003319.4); c.90288C>T, p.His30096= (NM_133378.4); c.71172C>T, p.His23724= (NM_133432.3); c.71373C>T, p.His23791= (NM_133437.4).
Identifiers: ClinVar variation 388479 (VCV000388479.11), dbSNP rs794729549, ClinGen allele CA16603859.

ClinVar aggregate classification (germline): Likely benign. Review status: criteria provided, multiple submitters, no conflicts (2 of 4 stars). 2 submissions from 2 submitters: Likely benign (2). Last evaluated 2019-06-25.

Conditions:
Dilated cardiomyopathy 1G (CMD1G). Identifiers: Orphanet 154, MedGen C1858763, MONDO:0011400, OMIM 604145.
Autosomal recessive limb-girdle muscular dystrophy type 2J (LGMDR10). Also called: MUSCULAR DYSTROPHY, LIMB-GIRDLE, AUTOSOMAL RECESSIVE 10; Limb-girdle muscular dystrophy, type 2J. Identifiers: Orphanet 140922, MedGen C1837342, MONDO:0012127, OMIM 608807.

gnomAD v4.1: 2 of 1,613,804 alleles (0.00012%); highest among the groups gnomAD compares: Non-Finnish European, 0.00017%; no homozygotes.

Submissions (2):

Labcorp Genetics (formerly Invitae), Labcorp
Classification: Likely benign for Dilated cardiomyopathy 1G; Autosomal recessive limb-girdle muscular dystrophy type 2J. Last evaluated: 2019-06-25. Review status: criteria provided, single submitter. Criteria: Invitae Variant Classification Sherloc (09022015). Collection method: clinical testing. Allele origin: germline.

GeneDx
Classification: Likely benign. Last evaluated: 2016-08-08. Review status: criteria provided, single submitter. Criteria: GeneDx Variant Classification (06012015). Collection method: clinical testing. Allele origin: germline. Affected: yes.
Comment: This variant is considered likely benign or benign based on one or more of the following criteria: it is a conservative change, it occurs at a poorly conserved position in the protein, it is predicted to be benign by multiple in silico algorithms, and/or has population frequency not consistent with disease.